The following is an entry in ClinVar:

NM_000631.5(NCF4):c.578C>G (p.Ala193Gly)

Gene: NCF4 (neutrophil cytosolic factor 4; plus strand). Cytogenetic location: 22q12.3.
Variant type: single nucleotide variant.
Coding change: c.578C>G on transcript NM_000631.5 (MANE Select); coding-DNA position 578, C replaced by G.
Protein change: p.Ala193Gly; replaces alanine 193 with glycine.
Molecular consequence: missense variant.
Genome position (GRCh38, 1-based): chr22:36,872,376, C>G. VCF-style: chr22-36872376-C-G. GRCh37 (hg19) VCF-style: chr22-37268418-C-G.
Other names: c.578C>G, p.Ala193Gly (NM_013416.4); short protein forms A193G.
Identifiers: ClinVar variation 2053906 (VCV002053906.4), dbSNP rs1431618176, ClinGen allele CA411385794.

ClinVar aggregate classification (germline): Uncertain significance (1 of 4 stars; one submission).

Conditions:
Granulomatous disease, chronic, autosomal recessive, cytochrome b-positive, type 3. Also called: Granulomatous disease, chronic, autosomal recessive, cytochrome b-positive, type III; GRANULOMATOUS DISEASE, CHRONIC, DUE TO NCF4 DEFICIENCY; GRANULOMATOUS DISEASE, CHRONIC, AUTOSOMAL RECESSIVE, 3; CGD, AUTOSOMAL RECESSIVE CYTOCHROME b-POSITIVE, TYPE III. Identifiers: Orphanet 379, MedGen C3151409, MONDO:0013507, OMIM 613960.

Submission:

Labcorp Genetics (formerly Invitae), Labcorp
Classification: Uncertain significance for Granulomatous disease, chronic, autosomal recessive, cytochrome b-positive, type 3. Last evaluated: 2022-06-22. Review status: criteria provided, single submitter. Criteria: Invitae Variant Classification Sherloc (09022015). Collection method: clinical testing. Allele origin: germline.
Comment: In summary, the available evidence is currently insufficient to determine the role of this variant in disease. Therefore, it has been classified as a Variant of Uncertain Significance. Algorithms developed to predict the effect of missense changes on protein structure and function are either unavailable or do not agree on the potential impact of this missense change (SIFT: "Tolerated"; PolyPhen-2: "Possibly Damaging"; Align-GVGD: "Class C0"). This variant has not been reported in the literature in individuals affected with NCF4-related conditions. This variant is present in population databases (no rsID available, gnomAD 0.003%). This sequence change replaces alanine, which is neutral and non-polar, with glycine, which is neutral and non-polar, at codon 193 of the NCF4 protein (p.Ala193Gly).